The following is an entry in ClinVar:

NM_001040142.2(SCN2A):c.4995C>T (p.Leu1665=)

Gene: SCN2A (sodium voltage-gated channel alpha subunit 2; plus strand). Cytogenetic location: 2q24.3.
Variant type: single nucleotide variant.
Coding change: c.4995C>T on transcript NM_001040142.2 (MANE Select); coding-DNA position 4995, C replaced by T.
Protein change: p.Leu1665=; no amino-acid change (leucine 1665 retained).
Molecular consequence: synonymous variant.
Genome position (GRCh38, 1-based): chr2:165,388,801, C>T. VCF-style: chr2-165388801-C-T. GRCh37 (hg19) VCF-style: chr2-166245311-C-T.
Other names: c.4995C>T, p.Leu1665= (NM_001040143.2, NM_001371246.1, NM_001371247.1 and 1 more transcripts); c.4995C>T (NM_021007.2).
Identifiers: ClinVar variation 3756426 (VCV003756426.3).

ClinVar aggregate classification (germline): Likely benign. Review status: criteria provided, multiple submitters, no conflicts (2 of 4 stars). 2 submissions from 2 submitters: Likely benign (2). Last evaluated 2025-06-17.

Conditions:
SCN2A-related disorder. Also called: SCN2A-related disorders; SCN2A-related condition. Identifiers: MedGen CN382226, MONDO:1060245.
Seizures, benign familial infantile, 3 (BFIS3). Also called: CONVULSIONS, BENIGN FAMILIAL INFANTILE, 3; Familial neonatal seizures. Identifiers: Orphanet 140927, Orphanet 306, MedGen C1843140, MONDO:0011904, OMIM 607745.
Developmental and epileptic encephalopathy, 11 (DEE11). Also called: Early infantile epileptic encephalopathy 11. Identifiers: Orphanet 1934, MedGen C3150987, MONDO:0013388, OMIM 613721.

Submissions (2):

PreventionGenetics, part of Exact Sciences
Classification: Likely benign for SCN2A-related condition. Last evaluated: 2025-06-17. Review status: criteria provided, single submitter. Criteria: ACMG Guidelines, 2015. Collection method: clinical testing. Allele origin: germline.
Comment: This variant is classified as likely benign based on ACMG/AMP sequence variant interpretation guidelines (Richards et al. 2015 PMID: 25741868, with internal and published modifications).

Labcorp Genetics (formerly Invitae), Labcorp
Classification: Likely benign for Seizures, benign familial infantile, 3; Developmental and epileptic encephalopathy, 11. Last evaluated: 2024-07-19. Review status: criteria provided, single submitter. Criteria: Invitae Variant Classification Sherloc (09022015). Collection method: clinical testing. Allele origin: germline.